The following is an entry in ClinVar:

ClinVar aggregate classification (germline): Uncertain significance (1 of 4 stars; one submission).

Allele frequency attached by ClinVar (database versions not stated): ExAC 0.00001; gnomAD exomes 0.00002; TOPMed 0.00002; gnomAD 0.00004.

Submission:

Labcorp Genetics (formerly Invitae), Labcorp
Classification: Uncertain significance. Last evaluated: 2023-07-14. Review status: criteria provided, single submitter. Criteria: Invitae Variant Classification Sherloc (09022015). Collection method: clinical testing. Allele origin: germline.
Comment: In summary, the available evidence is currently insufficient to determine the role of this variant in disease. Therefore, it has been classified as a Variant of Uncertain Significance. An algorithm developed to predict the effect of missense changes on protein structure and function (PolyPhen-2) suggests that this variant is likely to be disruptive. ClinVar contains an entry for this variant (Variation ID: 1506193). This variant has not been reported in the literature in individuals affected with RIPK1-related conditions. This variant is present in population databases (rs771573328, gnomAD 0.008%). This sequence change replaces proline, which is neutral and non-polar, with leucine, which is neutral and non-polar, at codon 276 of the RIPK1 protein (p.Pro276Leu).

NM_001354930.2(RIPK1):c.827C>T (p.Pro276Leu)

Gene: RIPK1 (receptor interacting serine/threonine kinase 1; plus strand). Cytogenetic location: 6p25.2.
Variant type: single nucleotide variant.
Coding change: c.827C>T on transcript NM_001354930.2 (MANE Select); coding-DNA position 827, C replaced by T.
Protein change: p.Pro276Leu; replaces proline 276 with leucine.
Molecular consequence: missense variant.
Genome position (GRCh38, 1-based): chr6:3,085,397, C>T. VCF-style: chr6-3085397-C-T. GRCh37 (hg19) VCF-style: chr6-3085631-C-T.
Other names: c.338C>T, p.Pro113Leu (NM_001317061.3, NM_001354932.2, NM_001354933.2 and 1 more transcripts); c.689C>T, p.Pro230Leu (NM_001354931.2); c.827C>T, p.Pro276Leu (NM_003804.6); short protein forms P113L, P276L, P230L.
Identifiers: ClinVar variation 1506193 (VCV001506193.6), dbSNP rs771573328, ClinGen allele CA3618292.